The following is an entry in ClinVar:

ClinVar aggregate classification (germline): Uncertain significance. Review status: criteria provided, multiple submitters, no conflicts (2 of 4 stars). 2 submissions from 2 submitters: Uncertain significance (2). Last evaluated 2024-11-15.

Conditions:
MHC class II deficiency. Also called: Bare lymphocyte syndrome 2; BLS, TYPE II. Identifiers: Orphanet 572, MedGen C5447452, MONDO:0008855.

Allele frequency attached by ClinVar (database versions not stated): gnomAD exomes 0.00001; gnomAD 0.00003; TOPMed 0.00005; ESP Exome Variant Server 0.00008; ExAC 0.00001.
gnomAD v4.1: 4 of 1,614,094 alleles (0.00025%); highest among the groups gnomAD compares: African/African-American, 0.0053%; no homozygotes.

Submissions (2):

Ambry Genetics
Classification: Uncertain significance. Last evaluated: 2024-11-15. Review status: criteria provided, single submitter. Criteria: Ambry Variant Classification Scheme 2023. Collection method: clinical testing. Allele origin: germline.

Labcorp Genetics (formerly Invitae), Labcorp
Classification: Uncertain significance for MHC class II deficiency. Last evaluated: 2023-10-13. Review status: criteria provided, single submitter. Criteria: Invitae Variant Classification Sherloc (09022015). Collection method: clinical testing. Allele origin: germline.
Comment: This sequence change replaces lysine, which is basic and polar, with glutamine, which is neutral and polar, at codon 465 of the RFX5 protein (p.Lys465Gln). This variant is present in population databases (rs375408133, gnomAD 0.01%). This variant has not been reported in the literature in individuals affected with RFX5-related conditions. ClinVar contains an entry for this variant (Variation ID: 641207). An algorithm developed to predict the effect of missense changes on protein structure and function (PolyPhen-2) suggests that this variant is likely to be disruptive. In summary, the available evidence is currently insufficient to determine the role of this variant in disease. Therefore, it has been classified as a Variant of Uncertain Significance.

NM_001025603.2(RFX5):c.1393A>C (p.Lys465Gln)

Gene: RFX5 (regulatory factor X5; minus strand). Cytogenetic location: 1q21.3.
Variant type: single nucleotide variant.
Coding change: c.1393A>C on transcript NM_001025603.2 (MANE Select); coding-DNA position 1393, A replaced by C.
Protein change: p.Lys465Gln; replaces lysine 465 with glutamine.
Molecular consequence: missense variant.
Genome position (GRCh38, 1-based): chr1:151,342,644, T>G on the plus strand (A>C on the coding strand, the complement: RFX5 is on the minus strand). VCF-style: chr1-151342644-T-G. GRCh37 (hg19) VCF-style: chr1-151315120-T-G.
Other names: c.1393A>C, p.Lys465Gln (NM_000449.4, NM_001379412.1, NM_001379413.1 and 5 more transcripts); c.1273A>C, p.Lys425Gln (NM_001379419.1, NM_001379420.1); short protein forms K465Q, K425Q.
Identifiers: ClinVar variation 641207 (VCV000641207.9), dbSNP rs375408133, ClinGen allele CA1089609.